The following is an entry in ClinVar:

NM_000303.3(PMM2):c.447+3dup

Gene: PMM2 (phosphomannomutase 2; plus strand). Cytogenetic location: 16p13.2.
Variant type: Duplication.
Coding change: c.447+3dup on transcript NM_000303.3 (MANE Select); 3 bases into the intron after coding-DNA position 447, one base duplicated (A; older notation c.447+3dupA).
Molecular consequence: intron variant.
Genome position (GRCh38, 1-based): chr16:8,811,181, A duplicated. VCF-style (leftmost placement, unchanged base first): chr16-8811180-T-TA. GRCh37 (hg19) VCF-style: chr16-8905037-T-TA.
Other names: c.447+3dup (NM_000303.2).
Identifiers: ClinVar variation 3581391 (VCV003581391.4).
Genomic context (GRCh38, chr16:8,811,180, plus strand): 5'-CCCCTATTGGAAGAAGCTGCAGCCAAGAAGAACGCATTGAGTTCTACGAACTCGATAAAG[T>TA]ACGTCTTTCTGAAATATCTTTGGTGAATGGCTGGGTTTATGGAAATAAGATATGGCCTGG-3'

ClinVar aggregate classification (germline): Likely pathogenic. Review status: criteria provided, multiple submitters, no conflicts (2 of 4 stars). 3 submissions from 3 submitters: Likely pathogenic (3). Last evaluated 2026-01-15.

Conditions:
PMM2-congenital disorder of glycosylation. Also called: CDG Ia; JAEKEN SYNDROME; PHOSPHOMANNOMUTASE 2 DEFICIENCY; CARBOHYDRATE-DEFICIENT GLYCOPROTEIN SYNDROME, TYPE Ia; PMM2-CDG; Congenital disorder of glycosylation, type Ia. Identifiers: Orphanet 79318, MedGen C0349653, MONDO:0008907, OMIM 212065.

Submissions (3):

Natera, Inc.
Classification: Likely pathogenic for Congenital disorder of glycosylation type 1a. Last evaluated: 2026-01-15. Review status: criteria provided, single submitter. Criteria: Natera Variant Classification Schema (03/2026). Collection method: clinical testing. Allele origin: germline.
Comment: The c.447+3dup variant in PMM2 is a frameshift variant predicted to shift the reading frame and introduce a stop codon. This variant is rare in the general population with a frequency below the threshold expected for the associated phenotype(s). This variant has been observed in one or more individuals affected with the associated recessive disease, as either homozygous or compound heterozygous with a second variant (PMID: 33133147, 39633515). Functional studies show that this variant may disrupt protein function (PMID: 33133147). Given the available evidence, this variant is classified as Likely Pathogenic.

Labcorp Genetics (formerly Invitae), Labcorp
Classification: Likely pathogenic for PMM2-congenital disorder of glycosylation. Last evaluated: 2024-04-03. Review status: criteria provided, single submitter. Criteria: Invitae Variant Classification Sherloc (09022015). Collection method: clinical testing. Allele origin: germline.
Comment: This sequence change falls in intron 5 of the PMM2 gene. It does not directly change the encoded amino acid sequence of the PMM2 protein. It affects a nucleotide within the consensus splice site. This variant is not present in population databases (gnomAD no frequency). This variant has been observed in individual(s) with PMM2-CDG (PMID: 33133147). In at least one individual the data is consistent with being in trans (on the opposite chromosome) from a pathogenic variant. Variants that disrupt the consensus splice site are a relatively common cause of aberrant splicing (PMID: 17576681, 9536098). Algorithms developed to predict the effect of sequence changes on RNA splicing suggest that this variant may disrupt the consensus splice site. In summary, the currently available evidence indicates that the variant is pathogenic, but additional data are needed to prove that conclusively. Therefore, this variant has been classified as Likely Pathogenic.

Fulgent Genetics
Classification: Likely pathogenic for PMM2-congenital disorder of glycosylation. Last evaluated: 2024-03-12. Review status: criteria provided, single submitter. Criteria: ACMG Guidelines, 2015. Collection method: clinical testing. Allele origin: germline.

Literature cited by the submitters: PubMed 33133147 (cited by Natera, Inc. and Labcorp Genetics (formerly Invitae), Labcorp); PubMed 39633515 (cited by Natera, Inc.); PubMed 17576681 (cited by Labcorp Genetics (formerly Invitae), Labcorp); PubMed 9536098 (cited by Labcorp Genetics (formerly Invitae), Labcorp).